The following is an entry in ClinVar:

NM_017662.5(TRPM6):c.4945G>A (p.Glu1649Lys)

Gene: TRPM6 (transient receptor potential cation channel subfamily M member 6; minus strand). Cytogenetic location: 9q21.13.
Variant type: single nucleotide variant.
Coding change: c.4945G>A on transcript NM_017662.5 (MANE Select); coding-DNA position 4945, G replaced by A.
Protein change: p.Glu1649Lys; replaces glutamic acid 1649 with lysine.
Molecular consequence: missense variant.
Genome position (GRCh38, 1-based): chr9:74,752,330, C>T on the plus strand (G>A on the coding strand, the complement: TRPM6 is on the minus strand). VCF-style: chr9-74752330-C-T. GRCh37 (hg19) VCF-style: chr9-77367246-C-T.
Other names: c.4930G>A, p.Glu1644Lys (NM_001177310.2, NM_001177311.2); short protein forms E1644K, E1649K.
Identifiers: ClinVar variation 2109398 (VCV002109398.4), dbSNP rs2489853670, ClinGen allele CA373681001.
Genomic context (GRCh38, chr9:74,752,330, plus strand): 5'-TTTTTACCTCTTGAGACTGCTTTAGGTAATCACTGATTTGTATAGCACATTGTCCAATTT[C>T]TTTAGTTTTCATTTTCTGATGTATGTAAGGTTCTACACCTTGTAAAGAGGAAGAGAAAGA-3'
Protein context (NP_060132.3, residues 1639-1659): PYIHQKMKTK[Glu1649Lys]IGQCAIQISD

ClinVar aggregate classification (germline): Uncertain significance (1 of 4 stars; one submission).

Submission:

Labcorp Genetics (formerly Invitae), Labcorp
Classification: Uncertain significance. Last evaluated: 2022-05-05. Review status: criteria provided, single submitter. Criteria: Invitae Variant Classification Sherloc (09022015). Collection method: clinical testing. Allele origin: germline.
Comment: In summary, the available evidence is currently insufficient to determine the role of this variant in disease. Therefore, it has been classified as a Variant of Uncertain Significance. Algorithms developed to predict the effect of missense changes on protein structure and function output the following: SIFT: "Tolerated"; PolyPhen-2: "Benign"; Align-GVGD: "Class C0". The lysine amino acid residue is found in multiple mammalian species, which suggests that this missense change does not adversely affect protein function. This variant has not been reported in the literature in individuals affected with TRPM6-related conditions. This variant is not present in population databases (gnomAD no frequency). This sequence change replaces glutamic acid, which is acidic and polar, with lysine, which is basic and polar, at codon 1649 of the TRPM6 protein (p.Glu1649Lys).